The following is an entry in ClinVar:

NM_000257.4(MYH7):c.4935C>A (p.Ser1645Arg)

Genes: MHRT (myosin heavy chain associated RNA transcript; plus strand), MYH7 (myosin heavy chain 7; minus strand), LOC126861897 (BRD4-independent group 4 enhancer GRCh37_chr14:23884455-23885654; plus strand). Cytogenetic location: 14q11.2.
Variant type: single nucleotide variant.
Coding change: c.4935C>A on transcript NM_000257.4 (MANE Select); coding-DNA position 4935, C replaced by A.
Protein change: p.Ser1645Arg; replaces serine 1645 with arginine.
Molecular consequence: missense variant. On other transcripts: non-coding transcript variant (1).
Genome position (GRCh38, 1-based): chr14:23,416,022, G>T on the plus strand (C>A on the coding strand, the complement: MYH7 is on the minus strand). VCF-style: chr14-23416022-G-T. GRCh37 (hg19) VCF-style: chr14-23885231-G-T.
Other names: short protein forms S1645R.
Identifiers: ClinVar variation 639133 (VCV000639133.14), dbSNP rs1595073192, ClinGen allele CA389037316.
Genomic context (GRCh38, chr14:23,416,022, plus strand): 5'-TTCGCCAGGCCACGTGGAGGCCAGTCCCCTCTGGGTGAGTACCTTCAACAAGCTCTGGAG[G>T]CTCTTGACTTGCTTCTGGGCCTCGGCGGCCATGCGGTTGGCGTGGCTGAGCTGGATCTCC-3'
Protein context (NP_000248.2, residues 1635-1655): MAAEAQKQVK[Ser1645Arg]LQSLLKDTQI

ClinVar aggregate classification (germline): Uncertain significance. Review status: criteria provided, multiple submitters, no conflicts (2 of 4 stars). 3 submissions from 3 submitters: Uncertain significance (3). Last evaluated 2023-12-05.

Conditions:
Hypertrophic cardiomyopathy. Also called: HYPERTROPHIC MYOCARDIOPATHY. Identifiers: Orphanet 217569, MedGen C0007194, MeSH D002312, MONDO:0005045, HP:0001639.
Cardiomyopathy (CMYO). Also called: Cardiomyopathies. Identifiers: Orphanet 167848, MedGen C0878544, MONDO:0004994, HP:0001638. Inheritance: Various modes of inheritance.

Submissions (3):

Color Diagnostics, LLC DBA Color Health
Classification: Uncertain significance for Cardiomyopathy. Last evaluated: 2023-12-05. Review status: criteria provided, single submitter. Criteria: ACMG Guidelines, 2015. Collection method: clinical testing. Allele origin: germline.
Comment: This missense variant replaces serine with arginine at codon 1645 of the MYH7 protein. Computational prediction tools and conservation analyses are inconclusive regarding the impact of this variant on the protein function. Computational splicing tools suggest that this variant may not impact RNA splicing. To our knowledge, functional assays have not been performed for this variant nor has this variant been reported in individuals affected with cardiovascular disorders in the literature. This variant has not been identified in the general population by the Genome Aggregation Database (gnomAD). Available evidence is insufficient to determine the role of this variant in disease conclusively. Therefore, this variant is classified as a Variant of Uncertain Significance.

GeneDx
Classification: Uncertain significance. Last evaluated: 2019-06-17. Review status: criteria provided, single submitter. Criteria: GeneDx Variant Classification Process June 2021. Collection method: clinical testing. Allele origin: germline. Affected: yes.
Comment: Not observed in large population cohorts (Lek et al., 2016); In silico analysis, which includes protein predictors and evolutionary conservation, supports that this variant does not alter protein structure/function; Has not been previously published as pathogenic or benign to our knowledge

Labcorp Genetics (formerly Invitae), Labcorp
Classification: Uncertain significance for Hypertrophic cardiomyopathy. Last evaluated: 2018-11-07. Review status: criteria provided, single submitter. Criteria: Invitae Variant Classification Sherloc (09022015). Collection method: clinical testing. Allele origin: germline.
Comment: In summary, the available evidence is currently insufficient to determine the role of this variant in disease. Therefore, it has been classified as a Variant of Uncertain Significance. Algorithms developed to predict the effect of missense changes on protein structure and function are either unavailable or do not agree on the potential impact of this missense change (SIFT: "Deleterious"; PolyPhen-2: "Benign"; Align-GVGD: "Class C0"). This variant has not been reported in the literature in individuals with MYH7-related disease. This variant is not present in population databases (ExAC no frequency). This sequence change replaces serine with arginine at codon 1645 of the MYH7 protein (p.Ser1645Arg). The serine residue is moderately conserved and there is a moderate physicochemical difference between serine and arginine.